The following is an entry in ClinVar:

NM_000619.3(IFNG):c.460del (p.Arg154fs)

Gene: IFNG (interferon gamma; minus strand). Cytogenetic location: 12q15.
Variant type: Deletion.
Coding change: c.460del on transcript NM_000619.3 (MANE Select); coding-DNA position 460, one base deleted (A; older notation c.460delA).
Protein change: p.Arg154fs; shifts the reading frame from arginine 154.
Molecular consequence: frameshift variant.
Genome position (GRCh38, 1-based): chr12:68,155,394, T deleted on the plus strand (A on the coding strand, the reverse complement: IFNG is on the minus strand); the first of 5 consecutive T bases (chr12:68,155,394-68,155,398); deleting any one gives the same sequence. VCF-style (leftmost placement, unchanged base first): chr12-68155393-CT-C. GRCh37 (hg19) VCF-style: chr12-68549173-CT-C.
Other names: short protein forms R154fs.
Identifiers: ClinVar variation 4814058 (VCV004814058.1).

ClinVar aggregate classification (germline): Likely benign (1 of 4 stars; one submission).

Conditions:
Immunodeficiency 69. Also called: IMMUNODEFICIENCY 69, MYCOBACTERIOSIS, AUTOSOMAL RECESSIVE; IFNG DEFICIENCY, AUTOSOMAL RECESSIVE. Identifiers: Orphanet 699618, MedGen C5436498, MONDO:0033541, OMIM 618963.

Submission:

Centre for Medical Genetics,  Mumbai
Classification: Likely benign for Immunodeficiency 69. Last evaluated: 2026-03-04. Review status: criteria provided, single submitter. Criteria: ACMG Guidelines, 2015. Collection method: provider interpretation. Allele origin: germline. Inheritance: Autosomal recessive inheritance. Affected: no. Observed: 1 variant allele, 1 homozygote.
Comment: The variant satisfies PM2 criteria; Extremely low frequency in gnomAD population databases. The variant satisfies PVS1 criteria; Null variant in a gene where loss of function is a known mechanism of disease However, the variant satisfies BS2 criteria.

Literature cited by the submitters: PubMed 32163377.